The following is an entry in ClinVar:

NM_018063.5(HELLS):c.31G>C (p.Gly11Arg)

Gene: HELLS (helicase, lymphoid specific; plus strand). Cytogenetic location: 10q23.33.
Variant type: single nucleotide variant.
Coding change: c.31G>C on transcript NM_018063.5 (MANE Select); coding-DNA position 31, G replaced by C.
Protein change: p.Gly11Arg; replaces glycine 11 with arginine.
Molecular consequence: missense variant. On other transcripts: 5 prime UTR variant (4), intron variant (1).
Genome position (GRCh38, 1-based): chr10:94,545,952, G>C. VCF-style: chr10-94545952-G-C. GRCh37 (hg19) VCF-style: chr10-96305709-G-C.
Other names: c.31G>C, p.Gly11Arg (NM_001289067.2, NM_001289069.2, NM_001289070.2 and 1 more transcripts); c.-386G>C (NM_001289071.2); c.-319G>C (NM_001289073.2); c.-972G>C (NM_001289074.2); c.-991G>C (NM_001289075.2); c.-18+45G>C (NM_001289068.2); short protein forms G11R.
Identifiers: ClinVar variation 1371458 (VCV001371458.6), dbSNP rs1043925031, ClinGen allele CA211665259.

ClinVar aggregate classification (germline): Uncertain significance (1 of 4 stars; one submission).

Allele frequency attached by ClinVar (database versions not stated): gnomAD 0.00001; TOPMed 0.00003.
gnomAD v4.1: 4 of 1,556,054 alleles (0.00026%); highest among the groups gnomAD compares: Admixed American, 0.0058%; no homozygotes.

Submission:

Labcorp Genetics (formerly Invitae), Labcorp
Classification: Uncertain significance. Last evaluated: 2024-02-24. Review status: criteria provided, single submitter. Criteria: Invitae Variant Classification Sherloc (09022015). Collection method: clinical testing. Allele origin: germline.
Comment: This sequence change replaces glycine, which is neutral and non-polar, with arginine, which is basic and polar, at codon 11 of the HELLS protein (p.Gly11Arg). This variant also falls at the last nucleotide of exon 1, which is part of the consensus splice site for this exon. This variant is not present in population databases (gnomAD no frequency). This variant has not been reported in the literature in individuals affected with HELLS-related conditions. ClinVar contains an entry for this variant (Variation ID: 1371458). Algorithms developed to predict the effect of missense changes on protein structure and function output the following: SIFT: "Not Available"; PolyPhen-2: "Benign"; Align-GVGD: "Not Available". The arginine amino acid residue is found in multiple mammalian species, which suggests that this missense change does not adversely affect protein function. Variants that disrupt the consensus splice site are a relatively common cause of aberrant splicing (PMID: 17576681, 9536098). Algorithms developed to predict the effect of sequence changes on RNA splicing suggest that this variant may disrupt the consensus splice site. In summary, the available evidence is currently insufficient to determine the role of this variant in disease. Therefore, it has been classified as a Variant of Uncertain Significance.

Literature cited by the submitters: PubMed 17576681; PubMed 9536098.